The following is an entry in ClinVar:

ClinVar aggregate classification (germline): Uncertain significance (1 of 4 stars; one submission).

Conditions:
Thrombophilia due to protein C deficiency, autosomal dominant. Also called: PROC DEFICIENCY, AUTOSOMAL DOMINANT; PROTEIN C DEFICIENCY, AUTOSOMAL DOMINANT. Identifiers: Orphanet 745, MedGen C2674321, MONDO:0008316, OMIM 176860. Disease mechanism: loss of function.

Allele frequency attached by ClinVar (database versions not stated): TOPMed below 0.00001; ExAC 0.00001; ESP Exome Variant Server 0.00008.

Submission:

CSER _CC_NCGL, University of Washington
Classification: Uncertain significance for Protein C deficiency. Last evaluated: 2014-06-01. Review status: criteria provided, single submitter. Criteria: Amendola et al. (Genome Res. 2015). Collection method: research. Allele origin: germline. Inheritance: Autosomal dominant inheritance. Study: ESP 6500 variant annotation.
Comment: Low GERP score may suggest that this variant may belong in a lower pathogenicity class

Variants classified for the Actionable exomic incidental findings in 6503 participants: challenges of variant classification manuscript

NM_000312.4(PROC):c.1010C>T (p.Thr337Ile)

Gene: PROC (protein C, inactivator of coagulation factors Va and VIIIa; plus strand). Cytogenetic location: 2q14.3.
Variant type: single nucleotide variant.
Coding change: c.1010C>T on transcript NM_000312.4 (MANE Select); coding-DNA position 1010, C replaced by T.
Protein change: p.Thr337Ile; replaces threonine 337 with isoleucine.
Molecular consequence: missense variant.
Genome position (GRCh38, 1-based): chr2:127,428,570, C>T. VCF-style: chr2-127428570-C-T. GRCh37 (hg19) VCF-style: chr2-128186146-C-T.
Other names: c.1193C>T, p.Thr398Ile (NM_001375602.1); c.1175C>T, p.Thr392Ile (NM_001375603.1); c.1073C>T, p.Thr358Ile (NM_001375604.1); c.1112C>T, p.Thr371Ile (NM_001375605.1); c.1178C>T, p.Thr393Ile (NM_001375606.1); c.1196C>T, p.Thr399Ile (NM_001375607.1); c.953C>T, p.Thr318Ile (NM_001375608.1); c.986C>T, p.Thr329Ile (NM_001375609.1); and 2 more; short protein forms T337I, T318I, T329I, T335I, T358I, T371I, T392I, T393I.
Identifiers: ClinVar variation 161340 (VCV000161340.2), dbSNP rs369881972, ClinGen allele CA211727.
Genomic context (GRCh38, chr2:127,428,570, plus strand): 5'-CCATCTGCCTCCCGGACAGCGGCCTTGCAGAGCGCGAGCTCAATCAGGCCGGCCAGGAGA[C>T]CCTCGTGACGGGCTGGGGCTACCACAGCAGCCGAGAGAAGGAGGCCAAGAGAAACCGCAC-3'
Protein context (NP_000303.1, residues 327-347): ERELNQAGQE[Thr337Ile]LVTGWGYHSS